The following is an entry in ClinVar:

ClinVar aggregate classification (germline): Pathogenic (1 of 4 stars; one submission).

Conditions:
Hereditary cancer-predisposing syndrome. Also called: Tumor predisposition; Neoplastic Syndromes, Hereditary; Hereditary Cancer Syndrome; Hereditary neoplastic syndrome. Identifiers: Orphanet 140162, MedGen C0027672, MeSH D009386, MONDO:0015356.

Submission:

Labcorp Genetics (formerly Invitae), Labcorp
Classification: Pathogenic for Hereditary cancer-predisposing syndrome. Last evaluated: 2021-08-06. Review status: criteria provided, single submitter. Criteria: Invitae Variant Classification Sherloc (09022015). Collection method: clinical testing. Allele origin: germline.
Comment: This sequence change creates a premature translational stop signal (p.Ser447*) in the RAD50 gene. It is expected to result in an absent or disrupted protein product. Loss-of-function variants in RAD50 are known to be pathogenic (PMID: 19409520). This variant is not present in population databases (ExAC no frequency). This variant has not been reported in the literature in individuals affected with RAD50-related conditions. For these reasons, this variant has been classified as Pathogenic.

Literature cited by the submitters: PubMed 19409520.

NM_005732.4(RAD50):c.1340C>G (p.Ser447Ter)

Gene: RAD50 (RAD50 double strand break repair protein; plus strand). Cytogenetic location: 5q31.1.
Variant type: single nucleotide variant.
Coding change: c.1340C>G on transcript NM_005732.4 (MANE Select); coding-DNA position 1340, C replaced by G.
Protein change: p.Ser447Ter; replaces serine 447 with a stop codon.
Molecular consequence: nonsense.
Genome position (GRCh38, 1-based): chr5:132,589,725, C>G. VCF-style: chr5-132589725-C-G. GRCh37 (hg19) VCF-style: chr5-131925417-C-G.
Other names: short protein forms S447*.
Identifiers: ClinVar variation 1452791 (VCV001452791.6), dbSNP rs786201804, ClinGen allele CA360944113.
Genomic context (GRCh38, chr5:132,589,725, plus strand): 5'-AACAGATAGATGAGATAAGAGATAAGAAAACTGGACTGGGAAGAATAATTGAGTTAAAAT[C>G]AGAAATCCTAAGTAAGAAGCAGAATGAGCTGAAAAATGTGAAGTATGAATTACAGCAGTT-3'